The following is an entry in ClinVar:

ClinVar aggregate classification (germline): Uncertain significance. Review status: criteria provided, multiple submitters, no conflicts (2 of 4 stars). 4 submissions from 4 submitters: Uncertain significance (4). Last evaluated 2026-06-04.

Conditions:
Ehlers-Danlos syndrome, classic type, 1 (EDSCL1). Also called: EHLERS-DANLOS SYNDROME, GRAVIS TYPE; EHLERS-DANLOS SYNDROME, SEVERE CLASSIC TYPE; Ehlers-Danlos syndrome, type 1; Ehlers-Danlos Syndrome, Classic Type, COL5A1-Related; EDS I. Identifiers: MedGen C0268335, MONDO:0019567, OMIM 130000.
Familial thoracic aortic aneurysm and aortic dissection (TAAD). Also called: Thoracic aortic aneurysms and dissections. Identifiers: Orphanet 91387, MedGen C4707243, MONDO:0019625.

Allele frequency attached by ClinVar (database versions not stated): ExAC 0.00001; gnomAD 0.00002; TOPMed 0.00003.
gnomAD v4.1: 15 of 1,614,102 alleles (0.00093%); highest among the groups gnomAD compares: African/African-American, 0.0027%; no homozygotes.

Submissions (4):

Ambry Genetics
Classification: Uncertain significance for Familial thoracic aortic aneurysm and aortic dissection. Last evaluated: 2026-06-04. Review status: criteria provided, single submitter. Criteria: Ambry Variant Classification Scheme 2023. Collection method: clinical testing. Allele origin: germline.

Labcorp Genetics (formerly Invitae), Labcorp
Classification: Uncertain significance for Ehlers-Danlos syndrome, classic type, 1. Last evaluated: 2025-11-24. Review status: criteria provided, single submitter. Criteria: Invitae Variant Classification Sherloc (09022015). Collection method: clinical testing. Allele origin: germline.
Comment: This sequence change replaces asparagine, which is neutral and polar, with lysine, which is basic and polar, at codon 1616 of the COL5A1 protein (p.Asn1616Lys). This variant is present in population databases (rs747427505, gnomAD 0.007%). This variant has not been reported in the literature in individuals affected with COL5A1-related conditions. ClinVar contains an entry for this variant (Variation ID: 212993). Invitae Evidence Modeling of protein sequence and biophysical properties (such as structural, functional, and spatial information, amino acid conservation, physicochemical variation, residue mobility, and thermodynamic stability) indicates that this missense variant is not expected to disrupt COL5A1 protein function with a negative predictive value of 95%. In summary, the available evidence is currently insufficient to determine the role of this variant in disease. Therefore, it has been classified as a Variant of Uncertain Significance.

CeGaT Center for Human Genetics Tuebingen
Classification: Uncertain significance. Last evaluated: 2025-05-01. Review status: criteria provided, single submitter. Criteria: CeGaT Center For Human Genetics Tuebingen Variant Classification Criteria Version 2. Collection method: clinical testing. Allele origin: germline. Affected: yes. Observed: 1 variant allele.

GeneDx
Classification: Uncertain significance. Last evaluated: 2014-05-16. Review status: criteria provided, single submitter. Criteria: GeneDx Variant Classification (06012015). Collection method: clinical testing. Allele origin: germline. Affected: yes.
Comment: p.Asn1616Lys (AAC>AAG): c.4848 C>G in exon 62 of the COL5A1 gene (NM_000093.3) A variant of unknown significance has been identified in the COL5A1 gene. The N1616K variant has not been published as a mutation, nor has it been reported as a benign polymorphism to our knowledge. The N1616K variant was not observed in approximately 6,500 individuals of European and African American ancestry in the NHLBI Exome Sequencing Project, indicating it is not a common benign variant in these populations. The N1616K variant is a semi-conservative amino acid substitution, which may impact secondary protein structure as these residues differ in some properties. This substitution occurs at a position that is conserved across species. In silico analysis predicts this variant is probably damaging to the protein structure/function. Nevertheless, no missense mutations in nearby residues have been reported in association with classic type EDS, suggesting this region of the protein may be tolerant of change.Therefore, based on the currently available information, it is unclear whether this variant is a pathogenic mutation or a rare benign variant.This variant was found in TAAD

NM_000093.5(COL5A1):c.4848C>G (p.Asn1616Lys)

Genes: COL5A1 (collagen type V alpha 1 chain; plus strand), LOC101448202 (uncharacterized LOC101448202; minus strand). Cytogenetic location: 9q34.3.
Variant type: single nucleotide variant.
Coding change: c.4848C>G on transcript NM_000093.5 (MANE Select); coding-DNA position 4848, C replaced by G.
Protein change: p.Asn1616Lys; replaces asparagine 1616 with lysine.
Molecular consequence: missense variant.
Genome position (GRCh38, 1-based): chr9:134,824,749, C>G. VCF-style: chr9-134824749-C-G. GRCh37 (hg19) VCF-style: chr9-137716595-C-G.
Other names: p.N1616K:AAC>AAG; c.4848C>G, p.Asn1616Lys (NM_001278074.1); short protein forms N1616K.
Identifiers: ClinVar variation 212993 (VCV000212993.23), dbSNP rs747427505, ClinGen allele CA320020.